The following is an entry in ClinVar:

NM_152783.5(D2HGDH):c.1307-24A>G

Gene: D2HGDH (D-2-hydroxyglutarate dehydrogenase; plus strand). Cytogenetic location: 2q37.3.
Variant type: single nucleotide variant.
Coding change: c.1307-24A>G on transcript NM_152783.5 (MANE Select); 24 bases into the intron before coding-DNA position 1307, A replaced by G.
Molecular consequence: intron variant.
Genome position (GRCh38, 1-based): chr2:241,767,686, A>G. VCF-style: chr2-241767686-A-G. GRCh37 (hg19) VCF-style: chr2-242707101-A-G.
Other names: p.?; c.746-24A>G (NM_001352824.2); c.905-24A>G (NM_001287249.2).
Identifiers: ClinVar variation 158411 (VCV000158411.12), dbSNP rs6756901, ClinGen allele CA171826.

ClinVar aggregate classification (germline): Benign. Review status: criteria provided, multiple submitters, no conflicts (2 of 4 stars). 5 submissions from 5 submitters: Benign (4). 1 of the submissions does not count toward it. Last evaluated 2021-07-30.

Conditions:
D-2-hydroxyglutaric aciduria 1 (D2HGA1). Identifiers: Orphanet 79315, MedGen C3152055, MONDO:0024554, OMIM 600721.

Allele frequency attached by ClinVar (database versions not stated): gnomAD exomes 0.51822; ExAC 0.52943; gnomAD 0.60408 and 0.61160; ESP Exome Variant Server 0.61751; 1000 Genomes Project 30x 0.63726; TOPMed 0.62289; 1000 Genomes Project 0.62999.

Submissions (5):

Genome-Nilou Lab
Classification: Benign for D-2-hydroxyglutaric aciduria 1. Last evaluated: 2021-07-30. Review status: criteria provided, single submitter. Criteria: ACMG Guidelines, 2015. Collection method: clinical testing. Allele origin: germline. Affected: no.

GeneDx
Classification: Benign. Last evaluated: 2021-05-11. Review status: criteria provided, single submitter. Criteria: GeneDx Variant Classification Process June 2021. Collection method: clinical testing. Allele origin: germline. Affected: yes.

Mayo Clinic Laboratories, Mayo Clinic
Classification: Benign. Last evaluated: 2021-02-24. Review status: criteria provided, single submitter. Criteria: ACMG Guidelines, 2015. Collection method: clinical testing. Allele origin: germline. Observed: 8 variant alleles.

Breakthrough Genomics
Classification: Benign. Review status: criteria provided, single submitter. Criteria: ACMG Guidelines, 2015. Collection method: not provided. Allele origin: germline. Inheritance: Autosomal recessive inheritance. Affected: yes.

Genetic Services Laboratory, University of Chicago
Classification: Likely benign. Review status: no assertion criteria provided. Collection method: clinical testing. Allele origin: germline. Inheritance: Autosomal recessive inheritance. Not counted in ClinVar's aggregate classification.
Comment: Likely benign based on allele frequency in 1000 Genomes Project or ESP global frequency and its presence in a patient with a rare or unrelated disease phenotype. NOT Sanger confirmed